The following is an entry in ClinVar:

NM_015295.3(SMCHD1):c.38C>T (p.Ser13Phe)

Gene: SMCHD1 (structural maintenance of chromosomes flexible hinge domain containing 1; plus strand). Cytogenetic location: 18p11.32.
Variant type: single nucleotide variant.
Coding change: c.38C>T on transcript NM_015295.3 (MANE Select); coding-DNA position 38, C replaced by T.
Protein change: p.Ser13Phe; replaces serine 13 with phenylalanine.
Molecular consequence: missense variant.
Genome position (GRCh38, 1-based): chr18:2,656,113, C>T. VCF-style: chr18-2656113-C-T. GRCh37 (hg19) VCF-style: chr18-2656112-C-T.
Other names: short protein forms S13F.
Identifiers: ClinVar variation 2172653 (VCV002172653.4), dbSNP rs1417252379, ClinGen allele CA401684628.

ClinVar aggregate classification (germline): Uncertain significance (1 of 4 stars; one submission).

Conditions:
Facioscapulohumeral muscular dystrophy 2 (FSHD2). Also called: MUSCULAR DYSTROPHY, FACIOSCAPULOHUMERAL, TYPE 1B; FACIOSCAPULOHUMERAL MUSCULAR DYSTROPHY 2, DIGENIC; FSHD2, DIGENIC. Identifiers: Orphanet 269, MedGen C1834671, MONDO:0008031, OMIM 158901.

Allele frequency attached by ClinVar (database versions not stated): gnomAD 0.00001; TOPMed 0.00001; gnomAD exomes 0.00002.
gnomAD v4.1: 24 of 1,458,766 alleles (0.0016%); highest among the groups gnomAD compares: Non-Finnish European, 0.0021%; no homozygotes.

Submission:

Labcorp Genetics (formerly Invitae), Labcorp
Classification: Uncertain significance for Facioscapulohumeral muscular dystrophy 2. Last evaluated: 2025-10-06. Review status: criteria provided, single submitter. Criteria: Invitae Variant Classification Sherloc (09022015). Collection method: clinical testing. Allele origin: germline.
Comment: This sequence change replaces serine, which is neutral and polar, with phenylalanine, which is neutral and non-polar, at codon 13 of the SMCHD1 protein (p.Ser13Phe). This variant is not present in population databases (gnomAD no frequency). This variant has not been reported in the literature in individuals affected with SMCHD1-related conditions. ClinVar contains an entry for this variant (Variation ID: 2172653). Experimental studies and prediction algorithms are not available or were not evaluated, and the functional significance of this variant is currently unknown. In summary, the available evidence is currently insufficient to determine the role of this variant in disease. Therefore, it has been classified as a Variant of Uncertain Significance.